The following is an entry in ClinVar:

ClinVar aggregate classification (germline): Likely benign (1 of 4 stars; one submission).

Conditions:
MCM9-related disorder. Also called: MCM9-related condition.

gnomAD v4.1: 41 of 1,550,904 alleles (0.0026%); highest among the groups gnomAD compares: African/African-American, 0.053%; no homozygotes.

Submission:

PreventionGenetics, part of Exact Sciences
Classification: Likely benign for MCM9-related condition. Last evaluated: 2026-04-21. Review status: criteria provided, single submitter. Criteria: ACMG Guidelines, 2015. Collection method: clinical testing. Allele origin: germline.
Comment: This variant is classified as likely benign based on ACMG/AMP sequence variant interpretation guidelines (Richards et al. 2015 PMID: 25741868, with internal and published modifications).

NM_017696.3(MCM9):c.1692C>T (p.Thr564=)

Gene: MCM9 (minichromosome maintenance 9 homologous recombination repair factor; minus strand). Cytogenetic location: 6q22.31.
Variant type: single nucleotide variant.
Coding change: c.1692C>T on transcript NM_017696.3 (MANE Select); coding-DNA position 1692, C replaced by T.
Protein change: p.Thr564=; no amino-acid change (threonine 564 retained).
Molecular consequence: synonymous variant. On other transcripts: non-coding transcript variant (1), intron variant (1).
Genome position (GRCh38, 1-based): chr6:118,827,967, G>A on the plus strand (C>T on the coding strand, the complement: MCM9 is on the minus strand). VCF-style: chr6-118827967-G-A. GRCh37 (hg19) VCF-style: chr6-119149130-G-A.
Other names: c.1692C>T, p.Thr564= (NM_001378356.1, NM_001378357.1, NM_001378359.1 and 1 more transcripts); c.1566C>T, p.Thr522= (NM_001378366.1); c.1494C>T, p.Thr498= (NM_001378367.1); c.1528+1081C>T (NM_001378364.1).
Identifiers: ClinVar variation 4980394 (VCV004980394.1).